The following is an entry in ClinVar:

ClinVar aggregate classification (germline): Uncertain significance. Review status: criteria provided, multiple submitters, no conflicts (2 of 4 stars). 2 submissions from 2 submitters: Uncertain significance (2). Last evaluated 2026-02-18.

Conditions:
Monocytopenia with susceptibility to infections. Also called: IMMUNODEFICIENCY 21; GATA2 DEFICIENCY; MONOCYTOPENIA AND MYCOBACTERIAL INFECTION SYNDROME; MONOCYTOPENIA WITH SUSCEPTIBILITY TO MYCOBACTERIAL, FUNGAL, AND PAPILLOMAVIRUS INFECTIONS AND MYELODYSPLASIA; COMBINED IMMUNODEFICIENCY WITH SUSCEPTIBILITY TO MYCOBACTERIAL, VIRAL, AND FUNGAL INFECTIONS; Dendritic cell, monocyte, B lymphocyte, and natural killer lymphocyte deficiency. Identifiers: Orphanet 228423, MedGen C3280030, MONDO:0013607, OMIM 614172.
Deafness-lymphedema-leukemia syndrome. Also called: Lymphedema, primary, with myelodysplasia; Emberger syndrome. Identifiers: Orphanet 3226, MedGen C3279664, MONDO:0013540, OMIM 614038.
Inborn genetic diseases. Identifiers: MedGen C0950123, MeSH D030342.

Allele frequency attached by ClinVar (database versions not stated): gnomAD exomes below 0.00001.

Submissions (2):

Ambry Genetics
Classification: Uncertain significance for Inborn genetic diseases. Last evaluated: 2026-02-18. Review status: criteria provided, single submitter. Criteria: Ambry Variant Classification Scheme 2023. Collection method: clinical testing. Allele origin: germline.
Comment: The p.R287C variant (also known as c.859C>T), located in coding exon 2 of the GATA2 gene, results from a C to T substitution at nucleotide position 859. The arginine at codon 287 is replaced by cysteine, an amino acid with highly dissimilar properties. This amino acid position is highly conserved in available vertebrate species. In addition, this alteration is predicted to be deleterious by in silico analysis. Based on the available evidence, the clinical significance of this variant remains unclear.

Labcorp Genetics (formerly Invitae), Labcorp
Classification: Uncertain significance for Monocytopenia with susceptibility to infections; Deafness-lymphedema-leukemia syndrome. Last evaluated: 2021-09-24. Review status: criteria provided, single submitter. Criteria: Invitae Variant Classification Sherloc (09022015). Collection method: clinical testing. Allele origin: germline.
Comment: This sequence change replaces arginine with cysteine at codon 287 of the GATA2 protein (p.Arg287Cys). The arginine residue is moderately conserved and there is a large physicochemical difference between arginine and cysteine. This variant is not present in population databases (ExAC no frequency). This variant has not been reported in the literature in individuals affected with GATA2-related conditions. Advanced modeling of protein sequence and biophysical properties (such as structural, functional, and spatial information, amino acid conservation, physicochemical variation, residue mobility, and thermodynamic stability) performed at Invitae indicates that this missense variant is expected to disrupt GATA2 protein function. In summary, the available evidence is currently insufficient to determine the role of this variant in disease. Therefore, it has been classified as a Variant of Uncertain Significance.

NM_032638.5(GATA2):c.859C>T (p.Arg287Cys)

Gene: GATA2 (GATA binding protein 2; minus strand). Cytogenetic location: 3q21.3.
Variant type: single nucleotide variant.
Coding change: c.859C>T on transcript NM_032638.5 (MANE Select); coding-DNA position 859, C replaced by T.
Protein change: p.Arg287Cys; replaces arginine 287 with cysteine.
Molecular consequence: missense variant.
Genome position (GRCh38, 1-based): chr3:128,485,739, G>A on the plus strand (C>T on the coding strand, the complement: GATA2 is on the minus strand). VCF-style: chr3-128485739-G-A. GRCh37 (hg19) VCF-style: chr3-128204582-G-A.
Other names: c.859C>T, p.Arg287Cys (NM_001145661.2, NM_001145662.1); c.859C>T (NM_032638.4); short protein forms R287C.
Identifiers: ClinVar variation 1406761 (VCV001406761.7), dbSNP rs2107671824, ClinGen allele CA354405112.